The following is an entry in ClinVar:

ClinVar aggregate classification (germline): Uncertain significance (1 of 4 stars; one submission).

Submission:

Labcorp Genetics (formerly Invitae), Labcorp
Classification: Uncertain significance. Last evaluated: 2022-07-23. Review status: criteria provided, single submitter. Criteria: Invitae Variant Classification Sherloc (09022015). Collection method: clinical testing. Allele origin: germline.
Comment: In summary, the available evidence is currently insufficient to determine the role of this variant in disease. Therefore, it has been classified as a Variant of Uncertain Significance. Algorithms developed to predict the effect of missense changes on protein structure and function are either unavailable or do not agree on the potential impact of this missense change (SIFT: "Tolerated"; PolyPhen-2: "Probably Damaging"; Align-GVGD: "Class C0"). This variant has not been reported in the literature in individuals affected with SLC25A42-related conditions. This variant is not present in population databases (gnomAD no frequency). This sequence change replaces serine, which is neutral and polar, with proline, which is neutral and non-polar, at codon 178 of the SLC25A42 protein (p.Ser178Pro).

NM_178526.5(SLC25A42):c.532T>C (p.Ser178Pro)

Gene: SLC25A42 (solute carrier family 25 member 42; plus strand). Cytogenetic location: 19p13.11.
Variant type: single nucleotide variant.
Coding change: c.532T>C on transcript NM_178526.5 (MANE Select); coding-DNA position 532, T replaced by C.
Protein change: p.Ser178Pro; replaces serine 178 with proline.
Molecular consequence: missense variant.
Genome position (GRCh38, 1-based): chr19:19,107,928, T>C. VCF-style: chr19-19107928-T-C. GRCh37 (hg19) VCF-style: chr19-19218737-T-C.
Other names: c.532T>C, p.Ser178Pro (NM_001321544.2); short protein forms S178P.
Identifiers: ClinVar variation 1964304 (VCV001964304.5), dbSNP rs2514112730, ClinGen allele CA404895265.